The following is an entry in ClinVar:

ClinVar aggregate classification (germline): Uncertain significance (1 of 4 stars; one submission).

Conditions:
Aortic aneurysm, familial thoracic 7 (AAT7). Also called: AORTIC DISSECTION, FAMILIAL, WITH OR WITHOUT AORTIC ANEURYSM. Identifiers: MedGen C3151077, MONDO:0013418, OMIM 613780.

Allele frequency attached by ClinVar (database versions not stated): gnomAD below 0.00001 and 0.00001; TOPMed below 0.00001; gnomAD exomes 0.00001 and 0.00002; ExAC 0.00002; 1000 Genomes Project 30x 0.00016; 1000 Genomes Project 0.00020.
gnomAD v4.1: 19 of 1,614,200 alleles (0.0012%); highest among the groups gnomAD compares: South Asian, 0.011%; no homozygotes.

Submission:

Labcorp Genetics (formerly Invitae), Labcorp
Classification: Uncertain significance for Aortic aneurysm, familial thoracic 7. Last evaluated: 2022-07-19. Review status: criteria provided, single submitter. Criteria: Invitae Variant Classification Sherloc (09022015). Collection method: clinical testing. Allele origin: germline.
Comment: This sequence change replaces valine, which is neutral and non-polar, with isoleucine, which is neutral and non-polar, at codon 1424 of the MYLK protein (p.Val1424Ile). This variant is present in population databases (rs553263281, gnomAD 0.01%). This variant has not been reported in the literature in individuals affected with MYLK-related conditions. ClinVar contains an entry for this variant (Variation ID: 1000897). Advanced modeling of protein sequence and biophysical properties (such as structural, functional, and spatial information, amino acid conservation, physicochemical variation, residue mobility, and thermodynamic stability) performed at Invitae indicates that this missense variant is not expected to disrupt MYLK protein function. Algorithms developed to predict the effect of sequence changes on RNA splicing suggest that this variant may disrupt the consensus splice site. In summary, the available evidence is currently insufficient to determine the role of this variant in disease. Therefore, it has been classified as a Variant of Uncertain Significance.

NM_053025.4(MYLK):c.4270G>A (p.Val1424Ile)

Gene: MYLK (myosin light chain kinase; minus strand). Cytogenetic location: 3q21.1.
Variant type: single nucleotide variant.
Coding change: c.4270G>A on transcript NM_053025.4 (MANE Select); coding-DNA position 4270, G replaced by A.
Protein change: p.Val1424Ile; replaces valine 1424 with isoleucine.
Molecular consequence: missense variant.
Genome position (GRCh38, 1-based): chr3:123,657,144, C>T on the plus strand (G>A on the coding strand, the complement: MYLK is on the minus strand). VCF-style: chr3-123657144-C-T. GRCh37 (hg19) VCF-style: chr3-123375991-C-T.
Other names: c.3742G>A, p.Val1248Ile (NM_001321309.2); c.4063G>A, p.Val1355Ile (NM_053026.4, NM_053028.4); c.4270G>A, p.Val1424Ile (NM_053027.4); short protein forms V1248I, V1355I, V1424I.
Identifiers: ClinVar variation 1000897 (VCV001000897.6), dbSNP rs553263281, ClinGen allele CA071163.